The following is an entry in ClinVar:

ClinVar aggregate classification (germline): Pathogenic (1 of 4 stars; one submission).

Conditions:
RYR1-related disorder. Also called: RYR1-related condition; RYR1-related disorders. Identifiers: MedGen CN239331.

Submission:

Labcorp Genetics (formerly Invitae), Labcorp
Classification: Pathogenic for RYR1-related disorder. Last evaluated: 2023-06-27. Review status: criteria provided, single submitter. Criteria: Invitae Variant Classification Sherloc (09022015). Collection method: clinical testing. Allele origin: germline.
Comment: This sequence change creates a premature translational stop signal (p.Glu2382Argfs*48) in the RYR1 gene. It is expected to result in an absent or disrupted protein product. Loss-of-function variants in RYR1 are known to be pathogenic (PMID: 23919265, 25960145, 28818389, 30611313). This variant is not present in population databases (gnomAD no frequency). For these reasons, this variant has been classified as Pathogenic. This variant has not been reported in the literature in individuals affected with RYR1-related conditions.

Literature cited by the submitters: PubMed 23919265; PubMed 25960145; PubMed 28818389; PubMed 30611313.

NM_000540.3(RYR1):c.7144del (p.Glu2382fs)

Gene: RYR1 (ryanodine receptor 1; plus strand). Cytogenetic location: 19q13.2.
Variant type: Deletion.
Coding change: c.7144del on transcript NM_000540.3 (MANE Select); coding-DNA position 7144, one base deleted (G; older notation c.7144delG).
Protein change: p.Glu2382fs; shifts the reading frame from glutamic acid 2382.
Molecular consequence: frameshift variant.
Genome position (GRCh38, 1-based): chr19:38,499,751, G deleted. VCF-style (leftmost placement, unchanged base first): chr19-38499750-AG-A. GRCh37 (hg19) VCF-style: chr19-38990390-AG-A.
Other names: c.7144del, p.Glu2382fs (NM_001042723.2); short protein forms E2382fs.
Identifiers: ClinVar variation 2862521 (VCV002862521.3), dbSNP rs2514313327, ClinGen allele CA2739276775.